The following is an entry in ClinVar:

NM_005051.3(QARS1):c.11T>C (p.Leu4Pro)

Gene: QARS1 (glutaminyl-tRNA synthetase 1; minus strand). Cytogenetic location: 3p21.31.
Variant type: single nucleotide variant.
Coding change: c.11T>C on transcript NM_005051.3 (MANE Select); coding-DNA position 11, T replaced by C.
Protein change: p.Leu4Pro; replaces leucine 4 with proline.
Molecular consequence: missense variant. On other transcripts: non-coding transcript variant (1).
Genome position (GRCh38, 1-based): chr3:49,104,723, A>G on the plus strand (T>C on the coding strand, the complement: QARS1 is on the minus strand). VCF-style: chr3-49104723-A-G. GRCh37 (hg19) VCF-style: chr3-49142156-A-G.
Other names: c.11T>C, p.Leu4Pro (NM_001272073.2); short protein forms L4P.
Identifiers: ClinVar variation 580872 (VCV000580872.7), dbSNP rs368809933, ClinGen allele CA74482284.
Genomic context (GRCh38, chr3:49,104,723, plus strand): 5'-AGCGTCTCGCGGGCCTTCTGCTCGCTCAGGCCGAGGCTAGTGAAGAGCGACAGGGAGTCT[A>G]GAGCCGCCATTGCAGAGACACCGGAAACTAAAAGAAACTTAGGCCCCAGTCTGCAGGTCG-3'
Protein context (NP_005042.1, residues 1-14): MAA[Leu4Pro]DSLSLFTSLG

ClinVar aggregate classification (germline): Uncertain significance (1 of 4 stars; one submission).

Conditions:
Diffuse cerebral and cerebellar atrophy - intractable seizures - progressive microcephaly syndrome. Also called: Microcephaly, progressive, with seizures and cerebral and cerebellar atrophy. Identifiers: Orphanet 404437, MedGen C4014239, MONDO:0014335, OMIM 615760.

Allele frequency attached by ClinVar (database versions not stated): gnomAD exomes below 0.00001; TOPMed below 0.00001.
gnomAD v4.1: 4 of 1,612,776 alleles (0.00025%); highest among the groups gnomAD compares: Non-Finnish European, 0.000085%; no homozygotes.

Submission:

Labcorp Genetics (formerly Invitae), Labcorp
Classification: Uncertain significance for Diffuse cerebral and cerebellar atrophy - intractable seizures - progressive microcephaly syndrome. Last evaluated: 2024-12-09. Review status: criteria provided, single submitter. Criteria: Invitae Variant Classification Sherloc (09022015). Collection method: clinical testing. Allele origin: germline.
Comment: This sequence change replaces leucine, which is neutral and non-polar, with proline, which is neutral and non-polar, at codon 4 of the QARS protein (p.Leu4Pro). This variant is not present in population databases (gnomAD no frequency). This variant has not been reported in the literature in individuals affected with QARS-related conditions. ClinVar contains an entry for this variant (Variation ID: 580872). Invitae Evidence Modeling of protein sequence and biophysical properties (such as structural, functional, and spatial information, amino acid conservation, physicochemical variation, residue mobility, and thermodynamic stability) has been performed for this missense variant. However, the output from this modeling did not meet the statistical confidence thresholds required to predict the impact of this variant on QARS protein function. In summary, the available evidence is currently insufficient to determine the role of this variant in disease. Therefore, it has been classified as a Variant of Uncertain Significance.